The following is an entry in ClinVar:

NM_018082.6(POLR3B):c.2278G>A (p.Ala760Thr)

Gene: POLR3B (RNA polymerase III subunit B; plus strand). Cytogenetic location: 12q23.3.
Variant type: single nucleotide variant.
Coding change: c.2278G>A on transcript NM_018082.6 (MANE Select); coding-DNA position 2278, G replaced by A.
Protein change: p.Ala760Thr; replaces alanine 760 with threonine.
Molecular consequence: missense variant.
Genome position (GRCh38, 1-based): chr12:106,454,696, G>A. VCF-style: chr12-106454696-G-A. GRCh37 (hg19) VCF-style: chr12-106848474-G-A.
Other names: NM_018082.6(POLR3B):c.2278G>A; p.Ala760Thr; c.2104G>A, p.Ala702Thr (NM_001160708.2); short protein forms A702T, A760T.
Identifiers: ClinVar variation 873511 (VCV000873511.35), dbSNP rs146513209, ClinGen allele CA6762147.

ClinVar aggregate classification (germline): Conflicting classifications of pathogenicity. Review status: criteria provided, conflicting classifications (1 of 4 stars). 6 submissions from 6 submitters: Likely pathogenic (4); Uncertain significance (2). Last evaluated 2024-05-27.

Conditions:
Leukodystrophy, hypomyelinating, 8, with or without oligodontia and/or hypogonadotropic hypogonadism. Also called: Endosteal sclerosis-cerebellar hypoplasia syndrome; Hypomyelinating leukodystrophy 8 with or without oligodontia and-or hypogonadotropic hypogonadism; LEUKODYSTROPHY, HYPOMYELINATING, 8, WITH HYPODONTIA AND HYPOGONADOTROPIC HYPOGONADISM. Identifiers: Orphanet 85186, Orphanet 88637, MedGen C3280644, MONDO:0013722, OMIM 614381.
POLR3B-related disorder. Also called: POLR3B-related condition; POLR3B-related disorders. Identifiers: MedGen CN378588, MONDO:0700277.
POLR-related leukodystrophy. Also called: 4H leukodystrophy. Identifiers: Orphanet 289494, MedGen C5679947, MONDO:0100605.

Allele frequency attached by ClinVar (database versions not stated): gnomAD exomes 0.00001; TOPMed 0.00001.
gnomAD v4.1: 67 of 1,596,294 alleles (0.0042%); highest among the groups gnomAD compares: Non-Finnish European, 0.0053%; no homozygotes.

Submissions (6):

Blueprint Genetics
Classification: Likely pathogenic for POLR3B-related disorders. Last evaluated: 2024-05-27. Review status: criteria provided, single submitter. Criteria: ACMG Guidelines, 2015. Collection method: clinical testing. Allele origin: germline. Affected: yes. Observed: 3 variant alleles.

Labcorp Genetics (formerly Invitae), Labcorp
Classification: Uncertain significance. Last evaluated: 2023-05-23. Review status: criteria provided, single submitter. Criteria: Invitae Variant Classification Sherloc (09022015). Collection method: clinical testing. Allele origin: germline.
Comment: In summary, the available evidence is currently insufficient to determine the role of this variant in disease. Therefore, it has been classified as a Variant of Uncertain Significance. Advanced modeling of protein sequence and biophysical properties (such as structural, functional, and spatial information, amino acid conservation, physicochemical variation, residue mobility, and thermodynamic stability) performed at Invitae indicates that this missense variant is expected to disrupt POLR3B protein function. ClinVar contains an entry for this variant (Variation ID: 873511). This variant has not been reported in the literature in individuals affected with POLR3B-related conditions. This variant is present in population databases (rs146513209, gnomAD 0.003%). This sequence change replaces alanine, which is neutral and non-polar, with threonine, which is neutral and polar, at codon 760 of the POLR3B protein (p.Ala760Thr).

CeGaT Center for Human Genetics Tuebingen
Classification: Uncertain significance. Last evaluated: 2023-02-01. Review status: criteria provided, single submitter. Criteria: CeGaT Center For Human Genetics Tuebingen Variant Classification Criteria Version 2. Collection method: clinical testing. Allele origin: germline. Affected: yes. Observed: 1 variant allele.
Comment: POLR3B: PM2, PP2, PP3

GeneDx
Classification: Likely pathogenic. Last evaluated: 2022-06-03. Review status: criteria provided, single submitter. Criteria: GeneDx Variant Classification Process June 2021. Collection method: clinical testing. Allele origin: germline. Affected: yes.
Comment: Not observed at a significant frequency in large population cohorts (gnomAD); In silico analysis supports that this missense variant has a deleterious effect on protein structure/function; This variant is associated with the following publications: (PMID: 34737199, 27535533)

Broad Center for Mendelian Genomics, Broad Institute of MIT and Harvard
Classification: Likely pathogenic for Leukodystrophy, hypomyelinating, 8, with or without oligodontia and/or hypogonadotropic hypogonadism. Last evaluated: 2022-02-28. Review status: criteria provided, single submitter. Criteria: ACMG Guidelines, 2015. Collection method: curation. Allele origin: germline. Inheritance: Autosomal recessive inheritance.
Comment: The p.Ala760Thr variant in POLR3B has been reported in 1 individual in the compound heterozygous state with 4H leukodystrophy (PMID: 34737199), and has been identified in 0.002% (3/128476) of European (non-Finnish) chromosomes by the Genome Aggregation Database (gnomAD; dbSNP ID: rs146513209). Although this variant has been seen in the general population in a heterozygous state, its frequency is low enough to be consistent with a recessive carrier frequency. This variant has also been reported in ClinVar (Variation ID#: 873511) and has been interpreted as likely pathogenic by Illumina Clinical Services Laboratory (Illumina). Computational prediction tools and conservation analyses suggest that this variant may impact the protein, though this information is not predictive enough to determine pathogenicity. The number of missense variants reported in POLR3B in the general population is lower than expected, suggesting there is little benign variation in this gene and slightly increasing the possibility that a missense variant in this gene may not be tolerated. In summary, although additional studies are required to fully establish its clinical significance, this variant is likely pathogenic for autosomal recessive 4H leukodystrophy. ACMG/AMP Criteria applied: PM2, PM3, PP2, PP3 (Richards 2015).

Illumina Laboratory Services, Illumina
Classification: Likely pathogenic for Pol III-related leukodystrophy. Last evaluated: 2020-02-06. Review status: criteria provided, single submitter. Criteria: ICSLVariantClassificationCriteria RUGD 01 April 2020. Collection method: clinical testing. Allele origin: unknown.
Comment: The POLR3B c.2278G>A (p.Ala760Thr) variant is a missense variant. A literature search was performed for the gene, cDNA change, and amino acid change. No publications were identified through this search. The p.Ala760Thr variant is reported at a frequency of 0.000023 in the European (non-Finnish) population of the Genome Aggregation Database, indicating it is rare. Based on the application of the AMCG criteria, including the potential impact of missense variants in the POLR3B gene, the rarity of the p.Ala760Thr variant, the p.Ala760Thr variant is classified as likely pathogenic for Pol III-related leukodystrophy.